The following is an entry in ClinVar:

ClinVar aggregate classification (germline): Likely pathogenic (1 of 4 stars; one submission).

Conditions:
Hyperphosphatasia with impaired intellectual development syndrome 4. Also called: GLYCOSYLPHOSPHATIDYLINOSITOL BIOSYNTHESIS DEFECT 10; Hyperphosphatasia with intellectual disability syndrome 4. Identifiers: Orphanet 247262, MedGen C3810354, MONDO:0014318, OMIM 615716.

gnomAD v4.1: 1 of 1,612,176 alleles (0.000062%); no homozygotes.

Submission:

Laboratorio de Genetica e Diagnostico Molecular, Hospital Israelita Albert Einstein
Classification: Likely pathogenic for Hyperphosphatasia with impaired intellectual development syndrome 4. Last evaluated: 2025-03-21. Review status: criteria provided, single submitter. Criteria: ACMG Guidelines, 2015. Collection method: clinical testing. Allele origin: germline. Affected: yes.
Comment: ACMG classification criteria: PVS1 very strong, PM2 supporting

NM_033419.5(PGAP3):c.186G>A (p.Trp62Ter)

Gene: PGAP3 (post-GPI attachment to proteins phospholipase 3; minus strand). Cytogenetic location: 17q12.
Variant type: single nucleotide variant.
Coding change: c.186G>A on transcript NM_033419.5 (MANE Select); coding-DNA position 186, G replaced by A.
Protein change: p.Trp62Ter; replaces tryptophan 62 with a stop codon.
Molecular consequence: nonsense.
Genome position (GRCh38, 1-based): chr17:39,686,015, C>T on the plus strand (G>A on the coding strand, the complement: PGAP3 is on the minus strand). VCF-style: chr17-39686015-C-T. GRCh37 (hg19) VCF-style: chr17-37842268-C-T.
Other names: c.186G>A, p.Trp62Ter (NM_001291726.2, NM_001291728.2, NM_001291730.2 and 2 more transcripts); short protein forms W62*.
Identifiers: ClinVar variation 4056710 (VCV004056710.1).